The following is an entry in ClinVar:

NM_000304.4(PMP22):c.421G>A (p.Val141Met)

Gene: PMP22 (peripheral myelin protein 22; minus strand). Cytogenetic location: 17p12.
Variant type: single nucleotide variant.
Coding change: c.421G>A on transcript NM_000304.4 (MANE Select); coding-DNA position 421, G replaced by A.
Protein change: p.Val141Met; replaces valine 141 with methionine.
Molecular consequence: missense variant. On other transcripts: non-coding transcript variant (2).
Genome position (GRCh38, 1-based): chr17:15,230,979, C>T on the plus strand (G>A on the coding strand, the complement: PMP22 is on the minus strand). VCF-style: chr17-15230979-C-T. GRCh37 (hg19) VCF-style: chr17-15134296-C-T.
Other names: c.421G>A, p.Val141Met (NM_001281455.2, NM_001281456.2, NM_153321.3 and 1 more transcripts); short protein forms V141M.
Identifiers: ClinVar variation 2111792 (VCV002111792.4), dbSNP rs974821323, ClinGen allele CA288864491.

ClinVar aggregate classification (germline): Uncertain significance (1 of 4 stars; one submission).

Conditions:
Charcot-Marie-Tooth disease, type I (CMT1). Also called: Charcot-Marie-Tooth disease type 1; Charcot-Marie-Tooth, Type 1. Identifiers: Orphanet 65753, MedGen C0751036, MONDO:0019011.

Allele frequency attached by ClinVar (database versions not stated): TOPMed below 0.00001.

Submission:

Labcorp Genetics (formerly Invitae), Labcorp
Classification: Uncertain significance for Charcot-Marie-Tooth disease, type I. Last evaluated: 2022-07-06. Review status: criteria provided, single submitter. Criteria: Invitae Variant Classification Sherloc (09022015). Collection method: clinical testing. Allele origin: germline.
Comment: In summary, the available evidence is currently insufficient to determine the role of this variant in disease. Therefore, it has been classified as a Variant of Uncertain Significance. Algorithms developed to predict the effect of missense changes on protein structure and function are either unavailable or do not agree on the potential impact of this missense change (SIFT: "Deleterious"; PolyPhen-2: "Probably Damaging"; Align-GVGD: "Class C0"). This variant has not been reported in the literature in individuals affected with PMP22-related conditions. This variant is not present in population databases (gnomAD no frequency). This sequence change replaces valine, which is neutral and non-polar, with methionine, which is neutral and non-polar, at codon 141 of the PMP22 protein (p.Val141Met).